The following is an entry in ClinVar:

NM_000091.5(COL4A3):c.1865G>A (p.Gly622Glu)

Genes: MFF-DT (MFF divergent transcript; minus strand), COL4A3 (collagen type IV alpha 3 chain; plus strand). Cytogenetic location: 2q36.3.
Variant type: single nucleotide variant.
Coding change: c.1865G>A on transcript NM_000091.5 (MANE Select); coding-DNA position 1865, G replaced by A.
Protein change: p.Gly622Glu; replaces glycine 622 with glutamic acid.
Molecular consequence: missense variant.
Genome position (GRCh38, 1-based): chr2:227,273,055, G>A. VCF-style: chr2-227273055-G-A. GRCh37 (hg19) VCF-style: chr2-228137771-G-A.
Other names: p.(Gly622Glu); short protein forms G622E.
Identifiers: ClinVar variation 1077060 (VCV001077060.13), dbSNP rs2125996486, ClinGen allele CA350844952.

ClinVar aggregate classification (germline): Conflicting classifications of pathogenicity. Review status: criteria provided, conflicting classifications (1 of 4 stars). 7 submissions from 6 submitters: Likely pathogenic (6); Uncertain significance (1). Last evaluated 2026-02-26.

Conditions:
Alport syndrome. Also called: Hemorrhagic familial nephritis; Hemorrhagic hereditary nephritis; Congenital hereditary hematuria. Identifiers: Orphanet 63, MedGen C1567741, MONDO:0018965.
Autosomal dominant Alport syndrome (ATS3A). Also called: Alport syndrome dominant type; Renal failure and sensorineural hearing loss; ALPORT SYNDROME 3A, AUTOSOMAL DOMINANT. Identifiers: Orphanet 63, Orphanet 88918, MedGen C5882663, MONDO:0007086, OMIM 104200.
Autosomal recessive Alport syndrome (ATS2). Also called: COL4A4 Alport Syndrome and Thin Basement Membrane Nephropathy; Alport syndrome type 2; COL4A3-Related Nephropathy; ALPORT SYNDROME 2, AUTOSOMAL RECESSIVE. Identifiers: Orphanet 63, Orphanet 88919, MedGen C4746745, MONDO:0008762, OMIM 203780.
Alport syndrome 3b, autosomal recessive. Identifiers: MedGen C5882699, MONDO:0957811, OMIM 620536.
Hematuria, benign familial, 2 (BFH2). Identifiers: MedGen C5830421, MONDO:0958186, OMIM 620320.

Allele frequency attached by ClinVar (database versions not stated): gnomAD exomes below 0.00001.
gnomAD v4.1: 1 of 1,614,150 alleles (0.000062%); highest among the groups gnomAD compares: Non-Finnish European, 0.000085%; no homozygotes.

Submissions (7):

Centre de Génétique Humaine, Institut de Pathologie Et de Génétique
Classification: Likely pathogenic for Alport syndrome 3b, autosomal recessive. Last evaluated: 2026-02-26. Review status: criteria provided, single submitter. Criteria: ACMG Guidelines, 2015. Collection method: clinical testing. Allele origin: germline. Inheritance: Autosomal recessive inheritance. Affected: yes. Observed: 2 variant alleles, 2 compound heterozygotes. Clinical features observed: Proteinuria (HP:0000093), Stage 4 chronic kidney disease (HP:0012626), Sensorineural hearing loss disorder (HP:0000407). Segregation with disease observed.
Comment: This missense variant involves a highly conserved glycine located in a ‘Gly-X-Y’ motif in collagenous region, which is characteristic of the pathogenic variants identified in the COL4A3 gene (PM1,PP2). This variant is rare: allelic frequency of 0.000062% in gnomAD v4.1.0 database (PM2); In silico analysis supports that this missense variant has a deleterious effect (PP3). Detected in a patient with AR Alport S (PMID: 34215756) (PP5)

Centre de Génétique Humaine, Institut de Pathologie Et de Génétique
Classification: Likely pathogenic for Autosomal dominant Alport syndrome. Last evaluated: 2026-02-26. Review status: criteria provided, single submitter. Criteria: ACMG Guidelines, 2015. Collection method: clinical testing. Allele origin: maternal. Inheritance: Autosomal dominant inheritance. Affected: yes. Observed: 1 variant allele, 1 heterozygote. Segregation with disease observed.
Comment: the same text as in the submission from Centre de Génétique Humaine, Institut de Pathologie Et de Génétique above.

Natera, Inc.
Classification: Likely pathogenic for Alport syndrome. Last evaluated: 2025-09-17. Review status: criteria provided, single submitter. Criteria: Natera Variant Classification Schema (03/2026). Collection method: clinical testing. Allele origin: germline.
Comment: The c.1865G>A variant in COL4A3 is a missense variant predicted to cause substitution of glycine to glutamic acid at amino acid 622. This variant is rare in the general population with a frequency below the threshold expected for the associated phenotype(s). This variant has been observed in one or more individuals affected with the associated recessive disease, as either homozygous or compound heterozygous with a second variant (PMID: 34215756). This variant is located in a functionally critical region of the protein. Computational prediction algorithms indicate this variant is likely to affect gene or protein function. Given the available evidence, this variant is classified as Likely Pathogenic.

Fulgent Genetics
Classification: Likely pathogenic for Autosomal dominant Alport syndrome; Hematuria, benign familial, 2; Alport syndrome 3b, autosomal recessive. Last evaluated: 2024-01-03. Review status: criteria provided, single submitter. Criteria: ACMG Guidelines, 2015. Collection method: clinical testing. Allele origin: germline.

Clinical Genomics Laboratory, Washington University in St. Louis
Classification: Likely pathogenic for Autosomal dominant Alport syndrome; Autosomal recessive Alport syndrome. Last evaluated: 2023-08-30. Review status: criteria provided, single submitter. Criteria: ACMG Guidelines, 2015. Collection method: clinical testing. Allele origin: germline. Affected: yes.
Comment: The COL4A3 c.1865G>A (p.Gly622Glu) variant has been reported in at least one individual with Alport syndrome and early onset end stage renal disease on the opposite chromosome from a different glycine substitution (Wang Z et al., PMID: 34215756). This variant has been reported in the ClinVar database as a germline likely pathogenic variant by one submitter and variant of uncertain significance by one submitter. This variant is absent from the general population (gnomAD v.2.1.1), indicating it is not a common variant. This variant resides within the Gly-X-Y repeats of the triple helix domain, the glycine residues of these repeats are required for the structure and stability of collagen, and loss of glycine residues is the known pathogenic mechanism in many collagen-related disorders (Bella J et al., PMID: 7695699.; Long CG et al., PMID: 8218237; Shoulders MD and Raines RT. PMID: 19344236). Computational predictors indicate that the variant is damaging, evidence that correlates with impact to COL4A3 function. Additionally, several other missense changes in analogous resides in highly related collagen genes (COL2A1 p.Gly504Ser and p.Gly504Cys, COL1A1 p.Gly482Arg, COL4A5 p.Gly629Asp) have been detected in affected individuals and are considered pathogenic or likely pathogenic (Barker DF et al., PMID: 11223851; ClinVar Variation IDs: 618027, 195742, 2094263, 1342741). Based on available information and the ACMG/AMP guidelines for variant interpretation (Richards S et al., PMID: 25741868), this variant is classified as likely pathogenic.

Labcorp Genetics (formerly Invitae), Labcorp
Classification: Uncertain significance. Last evaluated: 2022-04-02. Review status: criteria provided, single submitter. Criteria: Invitae Variant Classification Sherloc (09022015). Collection method: clinical testing. Allele origin: germline.
Comment: This sequence change replaces glycine, which is neutral and non-polar, with glutamic acid, which is acidic and polar, at codon 622 of the COL4A3 protein (p.Gly622Glu). In summary, the available evidence is currently insufficient to determine the role of this variant in disease. Therefore, it has been classified as a Variant of Uncertain Significance. Advanced modeling of protein sequence and biophysical properties (such as structural, functional, and spatial information, amino acid conservation, physicochemical variation, residue mobility, and thermodynamic stability) performed at Invitae indicates that this missense variant is expected to disrupt COL4A3 protein function. ClinVar contains an entry for this variant (Variation ID: 1077060). This variant has not been reported in the literature in individuals affected with COL4A3-related conditions. This variant is not present in population databases (gnomAD no frequency).

Precision Medicine Center, Zhengzhou University
Classification: Likely pathogenic for Autosomal recessive Alport syndrome. Review status: criteria provided, single submitter. Criteria: ACMG Guidelines, 2015. Collection method: research. Allele origin: germline. Affected: yes.
Comment: PM1:Located in a mutational hot spot PM2:not found in gnomAD PP2:Missense variant in a gene that has a low rate of benign missense variation and in which missense variants are a common mechanism of disease PP3:Multiple lines of computational evidence support a deleterious effect on the gene or gene product

Literature cited by the submitters: PubMed 34215756 (cited by Centre de Génétique Humaine, Institut de Pathologie Et de Génétique and Natera, Inc.).